The following is an entry in ClinVar:

ClinVar aggregate classification (germline): Uncertain significance (1 of 4 stars; one submission).

Submission:

Labcorp Genetics (formerly Invitae), Labcorp
Classification: Uncertain significance. Last evaluated: 2024-09-13. Review status: criteria provided, single submitter. Criteria: Invitae Variant Classification Sherloc (09022015). Collection method: clinical testing. Allele origin: germline.
Comment: This sequence change replaces tryptophan, which is neutral and slightly polar, with leucine, which is neutral and non-polar, at codon 725 of the SAMD9L protein (p.Trp725Leu). Information on the frequency of this variant in the gnomAD database is not available, as this variant may be reported differently in the database. This variant has not been reported in the literature in individuals affected with SAMD9L-related conditions. An algorithm developed to predict the effect of missense changes on protein structure and function (PolyPhen-2) suggests that this variant is likely to be tolerated. In summary, the available evidence is currently insufficient to determine the role of this variant in disease. Therefore, it has been classified as a Variant of Uncertain Significance.

NM_152703.5(SAMD9L):c.2173_2174delinsCT (p.Trp725Leu)

Gene: SAMD9L (sterile alpha motif domain containing 9 like; minus strand). Cytogenetic location: 7q21.2.
Variant type: Indel.
Coding change: c.2173_2174delinsCT on transcript NM_152703.5 (MANE Select); coding-DNA positions 2173 to 2174, TG replaced by CT.
Protein change: p.Trp725Leu; replaces tryptophan 725 with leucine.
Molecular consequence: missense variant.
Genome position (GRCh38, 1-based): chr7:93,133,798-93,133,799, CA replaced by AG on the plus strand (TG replaced by CT on the coding strand, the reverse complement: SAMD9L is on the minus strand). VCF-style: chr7-93133798-CA-AG. GRCh37 (hg19) VCF-style: chr7-92763111-CA-AG.
Other names: c.2173_2174delinsCT, p.Trp725Leu (NM_001303496.3, NM_001303497.3, NM_001303498.3 and 5 more transcripts); short protein forms W725L.
Identifiers: ClinVar variation 2985486 (VCV002985486.3), dbSNP rs2535422281, ClinGen allele CA2740097400.
Genomic context (GRCh38, chr7:93,133,798, plus strand): 5'-CAGCCTGGATGATGATAAAGATTGATGATTTTTGCAAATATTGGTTTAGGAGACTCTGCC[CA>AG]GCAGTGTATTAAATCTTTAAGCTTTTCATAACTGTCCCTTTTAACAAAATCTGAAGAATA-3'
Protein context (NP_689916.2, residues 715-735): YEKLKDLIHC[Trp725Leu]AESPKPIFAK